The following is an entry in ClinVar:

ClinVar aggregate classification (germline): Uncertain significance (1 of 4 stars; one submission).

Conditions:
Long QT syndrome (LQTS). Identifiers: MedGen C0023976, MeSH D008133, MONDO:0002442. Disease mechanism: loss of function. Inheritance: Various modes of inheritance.

Submission:

Labcorp Genetics (formerly Invitae), Labcorp
Classification: Uncertain significance for Long QT syndrome. Last evaluated: 2025-10-27. Review status: criteria provided, single submitter. Criteria: Invitae Variant Classification Sherloc (09022015). Collection method: clinical testing. Allele origin: germline.
Comment: This sequence change replaces valine, which is neutral and non-polar, with glycine, which is neutral and non-polar, at codon 770 of the KCNH2 protein (p.Val770Gly). This variant is not present in population databases (gnomAD no frequency). This missense change has been observed in individual(s) with clinical features of long QT syndrome (internal data). An algorithm developed to predict the effect of missense changes on protein structure and function (PolyPhen-2) suggests that this variant is likely to be disruptive. In summary, the available evidence is currently insufficient to determine the role of this variant in disease. Therefore, it has been classified as a Variant of Uncertain Significance.

NM_000238.4(KCNH2):c.2309T>G (p.Val770Gly)

Gene: KCNH2 (potassium voltage-gated channel subfamily H member 2; minus strand). Cytogenetic location: 7q36.1.
Variant type: single nucleotide variant.
Coding change: c.2309T>G on transcript NM_000238.4 (MANE Select); coding-DNA position 2309, T replaced by G.
Protein change: p.Val770Gly; replaces valine 770 with glycine.
Molecular consequence: missense variant. On other transcripts: non-coding transcript variant (2).
Genome position (GRCh38, 1-based): chr7:150,950,257, A>C on the plus strand (T>G on the coding strand, the complement: KCNH2 is on the minus strand). VCF-style: chr7-150950257-A-C. GRCh37 (hg19) VCF-style: chr7-150647345-A-C.
Other names: c.1289T>G, p.Val430Gly (NM_001204798.2, NM_172057.3); c.2021T>G, p.Val674Gly (NM_001406753.1, NM_001406756.1); c.2132T>G, p.Val711Gly (NM_001406755.1); c.2009T>G, p.Val670Gly (NM_001406757.1); c.2309T>G, p.Val770Gly (NM_172056.3); short protein forms V430G, V674G, V770G, V670G, V711G.
Identifiers: ClinVar variation 4721823 (VCV004721823.1).